The following is an entry in ClinVar:

ClinVar aggregate classification (germline): Uncertain significance. Review status: criteria provided, single submitter (1 of 4 stars). 2 submissions from 2 submitters: Uncertain significance (1). 1 of the submissions does not count toward it. Last evaluated 2026-06-05.

Conditions:
GNAS-related disorder. Identifiers: MedGen CN380105.

Allele frequency attached by ClinVar (database versions not stated): gnomAD exomes below 0.00001 and 0.00001; ExAC 0.00001; gnomAD 0.00006; TOPMed 0.00006.
gnomAD v4.1: 15 of 1,610,856 alleles (0.00093%); highest among the groups gnomAD compares: African/African-American, 0.011%; no homozygotes.

Submissions (2):

PreventionGenetics, part of Exact Sciences
Classification: Uncertain significance for GNAS-related condition. Last evaluated: 2026-06-05. Review status: criteria provided, single submitter. Criteria: ACMG Guidelines, 2015. Collection method: clinical testing. Allele origin: germline.
Comment: The GNAS c.661G>A variant is predicted to result in the amino acid substitution p.Glu221Lys. Of note, this variant is referred to as c.-37801G>A (pre-coding) on the more commonly reported isoform, NM_000516. To our knowledge, this variant has not been reported in the literature in individuals with GNAS-related disorders. This variant is reported in 0.0087% of alleles in individuals of African descent in gnomAD. At this time, the clinical significance of this variant is uncertain due to the absence of conclusive functional and genetic evidence.

ITMI
No classification provided. Condition: AllHighlyPenetrant. Last evaluated: 2013-09-19. Review status: no classification provided. Collection method: reference population. Allele origin: germline. Not counted in ClinVar's aggregate classification.
Comment: Please see associated publication for description of ethnicities

Literature cited by the submitters: PubMed 24728327 (cited by ITMI).

NM_080425.4(GNAS):c.661G>A (p.Glu221Lys)

Gene: GNAS (GNAS complex locus; plus strand). Cytogenetic location: 20q13.32.
Variant type: single nucleotide variant.
Coding change: c.661G>A on transcript NM_080425.4 (MANE Plus Clinical); coding-DNA position 661, G replaced by A.
Protein change: p.Glu221Lys; replaces glutamic acid 221 with lysine.
Molecular consequence: missense variant. On other transcripts: synonymous variant (2), intron variant (3).
Genome position (GRCh38, 1-based): chr20:58,853,926, G>A. VCF-style: chr20-58853926-G-A. GRCh37 (hg19) VCF-style: chr20-57428981-G-A.
Other names: c.474G>A, p.Leu158= (NM_001077490.3, NM_001309883.1); c.661G>A, p.Glu221Lys (NM_001410913.1); c.*42+13040G>A (NM_016592.5); c.43+13040G>A (NM_001410912.1); c.-39+12051G>A (NM_001309861.2); short protein forms E221K.
Identifiers: ClinVar variation 134499 (VCV000134499.6), dbSNP rs587778391, ClinGen allele CA159980.
Genomic context (GRCh38, chr20:58,853,926, plus strand): 5'-GAGCCCCAAGCCCTCAGGCCTGCAAAGGCTGGCTCCAGAGGAGGCTACAGCCCTCCCCCT[G>A]AGGAGACTATGCCATTTGAGCTTGATGGAGAAGGATTTGGGGACGACAGCCCACCCCCGG-3'
Protein context (NP_536350.2, residues 211-231): GSRGGYSPPP[Glu221Lys]ETMPFELDGE